The following is an entry in ClinVar:

ClinVar aggregate classification (germline): Uncertain significance (1 of 4 stars; one submission).

Conditions:
RASopathy. Also called: rasopathies; Noonan spectrum disorder. Identifiers: Orphanet 536391, MedGen C5555857, MONDO:0021060.

Allele frequency attached by ClinVar (database versions not stated): gnomAD exomes below 0.00001; ExAC 0.00001.
gnomAD v4.1: 1 of 1,614,128 alleles (0.000062%); highest among the groups gnomAD compares: African/African-American, 0.0013%; no homozygotes.

Submission:

Labcorp Genetics (formerly Invitae), Labcorp
Classification: Uncertain significance for RASopathy. Last evaluated: 2024-07-02. Review status: criteria provided, single submitter. Criteria: Invitae Variant Classification Sherloc (09022015). Collection method: clinical testing. Allele origin: germline.
Comment: This sequence change replaces glutamine, which is neutral and polar, with arginine, which is basic and polar, at codon 556 of the RAF1 protein (p.Gln556Arg). The frequency data for this variant in the population databases is considered unreliable, as metrics indicate poor data quality at this position in the gnomAD database. This variant has not been reported in the literature in individuals affected with RAF1-related conditions. ClinVar contains an entry for this variant (Variation ID: 1019156). An algorithm developed to predict the effect of missense changes on protein structure and function (PolyPhen-2) suggests that this variant is likely to be disruptive. In summary, the available evidence is currently insufficient to determine the role of this variant in disease. Therefore, it has been classified as a Variant of Uncertain Significance.

NM_002880.4(RAF1):c.1667A>G (p.Gln556Arg)

Gene: RAF1 (Raf-1 proto-oncogene, serine/threonine kinase; minus strand). Cytogenetic location: 3p25.2.
Variant type: single nucleotide variant.
Coding change: c.1667A>G on transcript NM_002880.4 (MANE Select); coding-DNA position 1667, A replaced by G.
Protein change: p.Gln556Arg; replaces glutamine 556 with arginine.
Molecular consequence: missense variant. On other transcripts: non-coding transcript variant (3).
Genome position (GRCh38, 1-based): chr3:12,585,123, T>C on the plus strand (A>G on the coding strand, the complement: RAF1 is on the minus strand). VCF-style: chr3-12585123-T-C. GRCh37 (hg19) VCF-style: chr3-12626622-T-C.
Other names: c.1727A>G, p.Gln576Arg (NM_001354689.3); c.1667A>G, p.Gln556Arg (NM_001354690.3); c.1424A>G, p.Gln475Arg (NM_001354691.3, NM_001354692.3); c.1568A>G, p.Gln523Arg (NM_001354693.3); c.1484A>G, p.Gln495Arg (NM_001354694.3); c.1325A>G, p.Gln442Arg (NM_001354695.3); short protein forms Q442R, Q475R, Q495R, Q523R, Q556R, Q576R.
Identifiers: ClinVar variation 1019156 (VCV001019156.9), dbSNP rs774558798, ClinGen allele CA2259455.